The following is an entry in ClinVar:

ClinVar aggregate classification (germline): Conflicting classifications of pathogenicity. Review status: criteria provided, conflicting classifications (1 of 4 stars). 9 submissions from 7 submitters: Uncertain significance (3); Benign (2); Likely benign (3). 1 of the submissions does not count toward it. Last evaluated 2026-05-26.

Conditions:
Hereditary hyperinsulinism.
ABCC8-related disorder.
Permanent neonatal diabetes mellitus (PNDM). Identifiers: Orphanet 99885, MedGen C1833104, MONDO:0100164, MONDO:0011643. Disease mechanism: gain of function.
Diabetes mellitus, transient neonatal, 2 (TNDM2). Identifiers: Orphanet 99886, MedGen C1835887, MONDO:0012480, OMIM 610374. Disease mechanism: loss of function.
Hyperinsulinemic hypoglycemia, familial, 1 (HHF1). Also called: HYPERINSULINISM, FAMILIAL, WITH PANCREATIC NESIDIOBLASTOSIS; HYPOGLYCEMIA, HYPERINSULINEMIC, OF INFANCY; NESIDIOBLASTOSIS OF PANCREAS; Persistent hyperinsulinemic hypoglycemia of infancy; Persistent Hyperinsulinemia Hypoglycemia of Infancy. Identifiers: Orphanet 276575, Orphanet 276598, MedGen C2931832, MONDO:0009734, OMIM 256450.

Allele frequency attached by ClinVar (database versions not stated): gnomAD 0.00006 and 0.00017; TOPMed 0.00007; ESP Exome Variant Server 0.00015; gnomAD exomes 0.00058; ExAC 0.00071; 1000 Genomes Project 30x 0.00078; 1000 Genomes Project 0.00100.
gnomAD v4.1: 417 of 1,614,096 alleles (0.026%); highest among the groups gnomAD compares: South Asian, 0.4%; 6 homozygotes.

Submissions (9):

PreventionGenetics, part of Exact Sciences
Classification: Likely benign for ABCC8-related condition. Last evaluated: 2026-05-26. Review status: criteria provided, single submitter. Criteria: ACMG Guidelines, 2015. Collection method: clinical testing. Allele origin: germline.
Comment: This variant is classified as likely benign based on ACMG/AMP sequence variant interpretation guidelines (Richards et al. 2015 PMID: 25741868, with internal and published modifications).

Labcorp Genetics (formerly Invitae), Labcorp
Classification: Benign. Last evaluated: 2026-01-27. Review status: criteria provided, single submitter. Criteria: Invitae Variant Classification Sherloc (09022015). Collection method: clinical testing. Allele origin: germline.

Women's Health and Genetics/Laboratory Corporation of America, LabCorp
Classification: Likely benign. Last evaluated: 2025-05-14. Review status: criteria provided, single submitter. Criteria: LabCorp Variant Classification Summary - May 2015. Collection method: clinical testing. Allele origin: germline.
Comment: Variant summary: ABCC8 c.1958G>A (p.Arg653Gln) results in a conservative amino acid change in the encoded protein sequence. Algorithms developed to predict the effect of missense changes on protein structure and function are either unavailable or do not agree on the potential impact of this missense change. The variant allele was found at a frequency of 0.00058 in 250960 control chromosomes, predominantly at a frequency of 0.0044 within the South Asian subpopulation in the gnomAD database, including one homozygote. The observed variant frequency within South Asian control individuals in the gnomAD database is approximately 1.3 fold of the estimated maximal expected allele frequency for a pathogenic variant in ABCC8 causing Familial Hyperinsulinism phenotype (0.0034). ClinVar contains an entry for this variant (Variation ID: 303779). Based on the evidence outlined above, the variant was classified as likely benign.

CeGaT Center for Human Genetics Tuebingen
Classification: Uncertain significance. Last evaluated: 2023-12-01. Review status: criteria provided, single submitter. Criteria: CeGaT Center For Human Genetics Tuebingen Variant Classification Criteria Version 2. Collection method: clinical testing. Allele origin: germline. Affected: yes. Observed: 1 variant allele.

GeneDx
Classification: Uncertain significance. Last evaluated: 2021-05-17. Review status: criteria provided, single submitter. Criteria: GeneDx Variant Classification Process June 2021. Collection method: clinical testing. Allele origin: germline. Affected: yes.
Comment: Observed in a patient with transient neonatal diabetes in published literature (Jahnavi et al., 2013); Published functional studies demonstrate the variant results in increased channel activity (Balamurugan et al., 2019); In silico analysis supports that this missense variant does not alter protein structure/function; This variant is associated with the following publications: (PMID: 22831748, 30861254)

Illumina Laboratory Services, Illumina
Classification: Uncertain significance for Hyperinsulinemic hypoglycemia, familial, 1. Last evaluated: 2018-01-13. Review status: criteria provided, single submitter. Criteria: ICSL Variant Classification Criteria 13 December 2019. Collection method: clinical testing. Allele origin: germline.

Illumina Laboratory Services, Illumina
Classification: Benign for Diabetes mellitus, transient neonatal, 2. Last evaluated: 2018-01-13. Review status: criteria provided, single submitter. Criteria: ICSL Variant Classification Criteria 13 December 2019. Collection method: clinical testing. Allele origin: germline.
Comment: This variant was observed in the ICSL laboratory as part of a predisposition screen in an ostensibly healthy population. It had not been previously curated by ICSL or reported in the Human Gene Mutation Database (HGMD: prior to June 1st, 2018), and was therefore a candidate for classification through an automated scoring system. Utilizing variant allele frequency, disease prevalence and penetrance estimates, and inheritance mode, an automated score was calculated to assess if this variant is too frequent to cause the disease. Based on the score and internal cut-off values, a variant classified as benign is not then subjected to further curation. The score for this variant resulted in a classification of benign for this disease.

Illumina Laboratory Services, Illumina
Classification: Likely benign for Permanent neonatal diabetes mellitus 1. Last evaluated: 2018-01-13. Review status: criteria provided, single submitter. Criteria: ICSL Variant Classification Criteria 13 December 2019. Collection method: clinical testing. Allele origin: germline.
Comment: This variant was observed in the ICSL laboratory as part of a predisposition screen in an ostensibly healthy population. It had not been previously curated by ICSL or reported in the Human Gene Mutation Database (HGMD: prior to June 1st, 2018), and was therefore a candidate for classification through an automated scoring system. Utilizing variant allele frequency, disease prevalence and penetrance estimates, and inheritance mode, an automated score was calculated to assess if this variant is too frequent to cause the disease. Based on the score and internal cut-off values, a variant classified as likely benign is not then subjected to further curation. The score for this variant resulted in a classification of likely benign for this disease.

Natera, Inc.
Classification: Likely benign for Hereditary hyperinsulinism. Last evaluated: 2020-01-23. Review status: no assertion criteria provided. Collection method: clinical testing. Allele origin: germline. Not counted in ClinVar's aggregate classification.

NM_000352.6(ABCC8):c.1958G>A (p.Arg653Gln)

Gene: ABCC8 (ATP binding cassette subfamily C member 8; minus strand). Cytogenetic location: 11p15.1.
Variant type: single nucleotide variant.
Coding change: c.1958G>A on transcript NM_000352.6 (MANE Select); coding-DNA position 1958, G replaced by A.
Protein change: p.Arg653Gln; replaces arginine 653 with glutamine.
Molecular consequence: missense variant. On other transcripts: non-coding transcript variant (1).
Genome position (GRCh38, 1-based): chr11:17,428,371, C>T on the plus strand (G>A on the coding strand, the complement: ABCC8 is on the minus strand). VCF-style: chr11-17428371-C-T. GRCh37 (hg19) VCF-style: chr11-17449918-C-T.
Other names: c.1958G>A, p.Arg653Gln (NM_001287174.3); c.2024G>A, p.Arg675Gln (NM_001351295.2); c.1955G>A, p.Arg652Gln (NM_001351296.2, NM_001351297.2); short protein forms R653Q, R652Q, R675Q.
Identifiers: ClinVar variation 303779 (VCV000303779.41), dbSNP rs146378237, ClinGen allele CA5903364.